The following is an entry in ClinVar:

ClinVar aggregate classification (germline): Likely pathogenic (1 of 4 stars; one submission).

Conditions:
Niemann-Pick disease, type C1. Also called: NEUROVISCERAL STORAGE DISEASE WITH VERTICAL SUPRANUCLEAR OPHTHALMOPLEGIA; NIEMANN-PICK DISEASE WITH CHOLESTEROL ESTERIFICATION BLOCK; NIEMANN-PICK DISEASE WITHOUT SPHINGOMYELINASE DEFICIENCY; NIEMANN-PICK DISEASE, CHRONIC NEURONOPATHIC FORM; NIEMANN-PICK DISEASE, VARIANT TYPE C1. Identifiers: Orphanet 646, MedGen C3179455, MONDO:0009757, OMIM 257220.

Allele frequency attached by ClinVar (database versions not stated): gnomAD exomes 0.00002.
gnomAD v4.1: 18 of 1,614,042 alleles (0.0011%); highest among the groups gnomAD compares: Non-Finnish European, 0.0015%; no homozygotes.

Submission:

Labcorp Genetics (formerly Invitae), Labcorp
Classification: Likely pathogenic for Niemann-Pick disease, type C1. Last evaluated: 2022-09-28. Review status: criteria provided, single submitter. Criteria: Invitae Variant Classification Sherloc (09022015). Collection method: clinical testing. Allele origin: germline.
Comment: This sequence change replaces glutamine, which is neutral and polar, with arginine, which is basic and polar, at codon 117 of the NPC1 protein (p.Gln117Arg). This variant is not present in population databases (gnomAD no frequency). This missense change has been observed in individual(s) with Niemann-Pick disease type C (Invitae). In at least one individual the data is consistent with being in trans (on the opposite chromosome) from a pathogenic variant. ClinVar contains an entry for this variant (Variation ID: 581349). Advanced modeling of protein sequence and biophysical properties (such as structural, functional, and spatial information, amino acid conservation, physicochemical variation, residue mobility, and thermodynamic stability) performed at Invitae indicates that this missense variant is expected to disrupt NPC1 protein function. Algorithms developed to predict the effect of sequence changes on RNA splicing suggest that this variant may disrupt the consensus splice site. In summary, the currently available evidence indicates that the variant is pathogenic, but additional data are needed to prove that conclusively. Therefore, this variant has been classified as Likely Pathogenic.

NM_000271.5(NPC1):c.350A>G (p.Gln117Arg)

Gene: NPC1 (NPC intracellular cholesterol transporter 1; minus strand). Cytogenetic location: 18q11.2.
Variant type: single nucleotide variant.
Coding change: c.350A>G on transcript NM_000271.5 (MANE Select); coding-DNA position 350, A replaced by G.
Protein change: p.Gln117Arg; replaces glutamine 117 with arginine.
Molecular consequence: missense variant.
Genome position (GRCh38, 1-based): chr18:23,568,936, T>C on the plus strand (A>G on the coding strand, the complement: NPC1 is on the minus strand). VCF-style: chr18-23568936-T-C. GRCh37 (hg19) VCF-style: chr18-21148900-T-C.
Other names: short protein forms Q117R.
Identifiers: ClinVar variation 581349 (VCV000581349.6), dbSNP rs1567977251, ClinGen allele CA401785525.